The following is an entry in ClinVar:

ClinVar aggregate classification (germline): Uncertain significance (1 of 4 stars; one submission).

Allele frequency attached by ClinVar (database versions not stated): gnomAD exomes below 0.00001; ExAC 0.00001.

Submission:

Labcorp Genetics (formerly Invitae), Labcorp
Classification: Uncertain significance. Last evaluated: 2021-02-01. Review status: criteria provided, single submitter. Criteria: Invitae Variant Classification Sherloc (09022015). Collection method: clinical testing. Allele origin: germline.
Comment: This sequence change replaces threonine with isoleucine at codon 902 of the PTPN23 protein (p.Thr902Ile). The threonine residue is weakly conserved and there is a moderate physicochemical difference between threonine and isoleucine. In summary, the available evidence is currently insufficient to determine the role of this variant in disease. Therefore, it has been classified as a Variant of Uncertain Significance. Algorithms developed to predict the effect of missense changes on protein structure and function are either unavailable or do not agree on the potential impact of this missense change (SIFT: "Tolerated"; PolyPhen-2: "Not Available"; Align-GVGD: "Class C0"). This variant has not been reported in the literature in individuals with PTPN23-related conditions. This variant is present in population databases (rs758784540, ExAC 0.002%).

NM_015466.4(PTPN23):c.2705C>T (p.Thr902Ile)

Gene: PTPN23 (protein tyrosine phosphatase non-receptor type 23; plus strand). Cytogenetic location: 3p21.31.
Variant type: single nucleotide variant.
Coding change: c.2705C>T on transcript NM_015466.4 (MANE Select); coding-DNA position 2705, C replaced by T.
Protein change: p.Thr902Ile; replaces threonine 902 with isoleucine.
Molecular consequence: missense variant.
Genome position (GRCh38, 1-based): chr3:47,410,503, C>T. VCF-style: chr3-47410503-C-T. GRCh37 (hg19) VCF-style: chr3-47451993-C-T.
Other names: c.2327C>T, p.Thr776Ile (NM_001304482.2); short protein forms T902I, T776I.
Identifiers: ClinVar variation 1424144 (VCV001424144.8), dbSNP rs758784540, ClinGen allele CA2366107.